The following is an entry in ClinVar:

ClinVar aggregate classification (germline): Uncertain significance. Review status: criteria provided, multiple submitters, no conflicts (2 of 4 stars). 2 submissions from 2 submitters: Uncertain significance (2). Last evaluated 2025-07-09.

Conditions:
DICER1-related tumor predisposition. Also called: DICER1-related pleuropulmonary blastoma cancer predisposition syndrome; DICER1 syndrome. Identifiers: Orphanet 284343, MedGen C3839822, MONDO:0100216.
Hereditary cancer-predisposing syndrome. Also called: Neoplastic Syndromes, Hereditary; Hereditary Cancer Syndrome; Hereditary neoplastic syndrome; Tumor predisposition. Identifiers: Orphanet 140162, MedGen C0027672, MeSH D009386, MONDO:0015356.

Submissions (2):

Ambry Genetics
Classification: Uncertain significance for Hereditary cancer-predisposing syndrome. Last evaluated: 2025-07-09. Review status: criteria provided, single submitter. Criteria: Ambry Variant Classification Scheme 2023. Collection method: clinical testing. Allele origin: germline.
Comment: The p.P782L variant (also known as c.2345C>T), located in coding exon 14 of the DICER1 gene, results from a C to T substitution at nucleotide position 2345. The proline at codon 782 is replaced by leucine, an amino acid with similar properties. This amino acid position is conserved. In addition, the in silico prediction for this alteration is inconclusive. Based on the available evidence, the clinical significance of this variant remains unclear.

Labcorp Genetics (formerly Invitae), Labcorp
Classification: Uncertain significance for DICER1-related tumor predisposition. Last evaluated: 2024-05-21. Review status: criteria provided, single submitter. Criteria: Invitae Variant Classification Sherloc (09022015). Collection method: clinical testing. Allele origin: germline.
Comment: This sequence change replaces proline, which is neutral and non-polar, with leucine, which is neutral and non-polar, at codon 782 of the DICER1 protein (p.Pro782Leu). This variant is not present in population databases (gnomAD no frequency). This variant has not been reported in the literature in individuals affected with DICER1-related conditions. Advanced modeling of protein sequence and biophysical properties (such as structural, functional, and spatial information, amino acid conservation, physicochemical variation, residue mobility, and thermodynamic stability) performed at Invitae indicates that this missense variant is not expected to disrupt DICER1 protein function with a negative predictive value of 80%. In summary, the available evidence is currently insufficient to determine the role of this variant in disease. Therefore, it has been classified as a Variant of Uncertain Significance.

NM_177438.3(DICER1):c.2345C>T (p.Pro782Leu)

Gene: DICER1 (dicer 1, ribonuclease III; minus strand). Cytogenetic location: 14q32.13.
Variant type: single nucleotide variant.
Coding change: c.2345C>T on transcript NM_177438.3 (MANE Select); coding-DNA position 2345, C replaced by T.
Protein change: p.Pro782Leu; replaces proline 782 with leucine.
Molecular consequence: missense variant. On other transcripts: non-coding transcript variant (6).
Genome position (GRCh38, 1-based): chr14:95,108,415, G>A on the plus strand (C>T on the coding strand, the complement: DICER1 is on the minus strand). VCF-style: chr14-95108415-G-A. GRCh37 (hg19) VCF-style: chr14-95574752-G-A.
Other names: c.2345C>T, p.Pro782Leu (NM_001195573.1, NM_001271282.3, NM_001291628.2 and 13 more transcripts); c.2063C>T, p.Pro688Leu (NM_001395686.1); c.1940C>T, p.Pro647Leu (NM_001395687.1, NM_001395688.1, NM_001395689.1 and 2 more transcripts); c.1778C>T, p.Pro593Leu (NM_001395691.1); c.662C>T, p.Pro221Leu (NM_001395697.1); short protein forms P593L, P688L, P221L, P782L, P647L.
Identifiers: ClinVar variation 2816097 (VCV002816097.4), dbSNP rs2140032614, ClinGen allele CA390882245.
Genomic context (GRCh38, chr14:95,108,415, plus strand): 5'-AAGCATCTTGTGGTATCTTCAGGAGGATAGAGCTTCCGCCTTCTAAAGTTGAGTTCATCA[G>A]GTAAAGGTGTAGTTAAAACCATTCCTATCACATACAGGTAACAGGGCTGATCAGGTCTGG-3'
Protein context (NP_803187.1, residues 772-792): VIGMVLTTPL[Pro782Leu]DELNFRRRKL